The following is an entry in ClinVar:

ClinVar aggregate classification (germline): Uncertain significance (1 of 4 stars; one submission).

Conditions:
Benign neonatal seizures. Also called: Convulsions benign familial neonatal dominant form; Autosomal dominant form of benign neonatal seizures; Benign familial neonatal epilepsy; Benign familial neonatal seizures; Benign neonatal familial convulsions. Identifiers: Orphanet 1949, MedGen C0220669, MONDO:0016027.

Allele frequency attached by ClinVar (database versions not stated): gnomAD 0.00001; gnomAD exomes 0.00001; TOPMed 0.00001.

Submission:

Labcorp Genetics (formerly Invitae), Labcorp
Classification: Uncertain significance for Benign neonatal seizures. Last evaluated: 2024-04-03. Review status: criteria provided, single submitter. Criteria: Invitae Variant Classification Sherloc (09022015). Collection method: clinical testing. Allele origin: germline.
Comment: This sequence change falls in intron 6 of the KCNQ3 gene. It does not directly change the encoded amino acid sequence of the KCNQ3 protein. It affects a nucleotide within the consensus splice site. This variant is present in population databases (no rsID available, gnomAD 0.003%). This variant has not been reported in the literature in individuals affected with KCNQ3-related conditions. ClinVar contains an entry for this variant (Variation ID: 843463). Variants that disrupt the consensus splice site are a relatively common cause of aberrant splicing (PMID: 17576681, 9536098). Algorithms developed to predict the effect of sequence changes on RNA splicing suggest that this variant may disrupt the consensus splice site. In summary, the available evidence is currently insufficient to determine the role of this variant in disease. Therefore, it has been classified as a Variant of Uncertain Significance.

Literature cited by the submitters: PubMed 17576681; PubMed 9536098.

NM_004519.4(KCNQ3):c.1044+5G>T

Gene: KCNQ3 (potassium voltage-gated channel subfamily Q member 3; minus strand). Cytogenetic location: 8q24.22.
Variant type: single nucleotide variant.
Coding change: c.1044+5G>T on transcript NM_004519.4 (MANE Select); 5 bases into the intron after coding-DNA position 1044, G replaced by T.
Molecular consequence: intron variant.
Genome position (GRCh38, 1-based): chr8:132,174,234, C>A on the plus strand (G>T on the coding strand, the complement: KCNQ3 is on the minus strand). VCF-style: chr8-132174234-C-A. GRCh37 (hg19) VCF-style: chr8-133186481-C-A.
Other names: c.684+5G>T (NM_001204824.2).
Identifiers: ClinVar variation 843463 (VCV000843463.7), dbSNP rs1371665205, ClinGen allele CA585236100.
Genomic context (GRCh38, chr8:132,174,234, plus strand): 5'-CTGGCACCAGGCGGTAAGGGGTCCTGCACGTCACATTGGGGATGTCATATATCAAAGGTA[C>A]TTACCGCTGGAAGGGCAAAAAAGGAGACGCCAATTAAGGAAAAGGTGGCGGCAATCAGAC-3'